The following is an entry in ClinVar:

NM_020655.4(JPH3):c.1921G>T (p.Asp641Tyr)

Gene: JPH3 (junctophilin 3; plus strand). Cytogenetic location: 16q24.2.
Variant type: single nucleotide variant.
Coding change: c.1921G>T on transcript NM_020655.4 (MANE Select); coding-DNA position 1921, G replaced by T.
Protein change: p.Asp641Tyr; replaces aspartic acid 641 with tyrosine.
Molecular consequence: missense variant. On other transcripts: non-coding transcript variant (1).
Genome position (GRCh38, 1-based): chr16:87,690,281, G>T. VCF-style: chr16-87690281-G-T. GRCh37 (hg19) VCF-style: chr16-87723887-G-T.
Other names: short protein forms D641Y.
Identifiers: ClinVar variation 3035477 (VCV003035477.2), dbSNP rs199869682, ClinGen allele CA8221277.
Genomic context (GRCh38, chr16:87,690,281, plus strand): 5'-ATGGAGACGCATCCCCAGAAAAGACGCTACAGCAAGGGCGGCGCCTGCCGGGGCTTGGGG[G>T]ACGACCACCGCCCCGAGGACCGGGGCTTCGGGGTGCAGAGACTGCGGTCCAAGGCCCAGA-3'
Protein context (NP_065706.2, residues 631-651): SKGGACRGLG[Asp641Tyr]DHRPEDRGFG

ClinVar aggregate classification (germline): Likely benign (0 of 4 stars; one submission).

Conditions:
JPH3-related disorder. Also called: JPH3-related condition.

Allele frequency attached by ClinVar (database versions not stated): TOPMed 0.00004; gnomAD 0.00007; ExAC 0.00030; 1000 Genomes Project 30x 0.00047; 1000 Genomes Project 0.00060.
gnomAD v4.1: 68 of 1,600,436 alleles (0.0042%); highest among the groups gnomAD compares: East Asian, 0.13%; no homozygotes.

Submission:

PreventionGenetics, part of Exact Sciences
Classification: Likely benign for JPH3-related condition. Last evaluated: 2019-08-09. Review status: no assertion criteria provided. Collection method: clinical testing. Allele origin: germline.
Comment: This variant is classified as likely benign based on ACMG/AMP sequence variant interpretation guidelines (Richards et al. 2015 PMID: 25741868, with internal and published modifications).